The following is an entry in ClinVar:

NM_014055.4(IFT81):c.190C>T (p.Arg64Ter)

Gene: IFT81 (intraflagellar transport 81; plus strand). Cytogenetic location: 12q24.11.
Variant type: single nucleotide variant.
Coding change: c.190C>T on transcript NM_014055.4 (MANE Select); coding-DNA position 190, C replaced by T.
Protein change: p.Arg64Ter; replaces arginine 64 with a stop codon.
Molecular consequence: nonsense. On other transcripts: 5 prime UTR variant (2), non-coding transcript variant (4).
Genome position (GRCh38, 1-based): chr12:110,128,091, C>T. VCF-style: chr12-110128091-C-T. GRCh37 (hg19) VCF-style: chr12-110565896-C-T.
Other names: c.190C>T, p.Arg64Ter (NM_001143779.2, NM_001347946.2, NM_031473.4); c.-577C>T (NM_001347947.2, NM_001347948.2); short protein forms R64*.
Identifiers: ClinVar variation 1323109 (VCV001323109.9), dbSNP rs372027811, ClinGen allele CA6783017.

ClinVar aggregate classification (germline): Pathogenic/Likely pathogenic. Review status: criteria provided, multiple submitters, no conflicts (2 of 4 stars). 3 submissions from 3 submitters: Pathogenic (2); Likely pathogenic (1). Last evaluated 2025-04-11.

Conditions:
Short-rib thoracic dysplasia 19 with or without polydactyly. Identifiers: MedGen C4693524, MONDO:0033485, OMIM 617895.

Allele frequency attached by ClinVar (database versions not stated): gnomAD exomes below 0.00001; ExAC 0.00002; gnomAD 0.00003; TOPMed 0.00004; ESP Exome Variant Server 0.00023.
gnomAD v4.1: 19 of 1,613,598 alleles (0.0012%); highest among the groups gnomAD compares: African/African-American, 0.0027%; no homozygotes.

Submissions (3):

Labcorp Genetics (formerly Invitae), Labcorp
Classification: Pathogenic. Last evaluated: 2025-04-11. Review status: criteria provided, single submitter. Criteria: Invitae Variant Classification Sherloc (09022015). Collection method: clinical testing. Allele origin: germline.
Comment: This sequence change creates a premature translational stop signal (p.Arg64*) in the IFT81 gene. It is expected to result in an absent or disrupted protein product. Loss-of-function variants in IFT81 are known to be pathogenic (PMID: 26275418, 27666822). This variant is present in population databases (rs372027811, gnomAD 0.008%). This variant has not been reported in the literature in individuals affected with IFT81-related conditions. ClinVar contains an entry for this variant (Variation ID: 1323109). Algorithms developed to predict the effect of sequence changes on RNA splicing suggest that this variant may disrupt the consensus splice site. For these reasons, this variant has been classified as Pathogenic.

Revvity Omics, Revvity
Classification: Pathogenic for Short-rib thoracic dysplasia 19 with or without polydactyly. Last evaluated: 2020-02-25. Review status: criteria provided, single submitter. Criteria: ACMG Guidelines, 2015. Collection method: clinical testing. Allele origin: germline.

Juno Genomics, Hangzhou Juno Genomics, Inc
Classification: Likely pathogenic for Short-rib thoracic dysplasia 19 with or without polydactyly. Review status: criteria provided, single submitter. Criteria: ACMG Guidelines, 2015. Collection method: clinical testing. Allele origin: germline.
Comment: Null variant in a gene where loss of function (LOF) is a known mechanism of disease.;Absent from controls (or at extremely low frequency if recessive) in Genome Aggregation Database.

Literature cited by the submitters: PubMed 26275418 (cited by Labcorp Genetics (formerly Invitae), Labcorp); PubMed 27666822 (cited by Labcorp Genetics (formerly Invitae), Labcorp).